The following is an entry in ClinVar:

ClinVar aggregate classification (germline): Likely benign (1 of 4 stars; one submission).

Allele frequency attached by ClinVar (database versions not stated): gnomAD 0.00001.
gnomAD v4.1: 1 of 1,613,848 alleles (0.000062%); highest among the groups gnomAD compares: Admixed American, 0.0017%; no homozygotes.

Submission:

Women's Health and Genetics/Laboratory Corporation of America, LabCorp
Classification: Likely benign. Last evaluated: 2022-12-12. Review status: criteria provided, single submitter. Criteria: LabCorp Variant Classification Summary - May 2015. Collection method: clinical testing. Allele origin: germline.
Comment: Variant summary: BRCA2 c.4560T>A alters a non-conserved nucleotide resulting in a synonymous change. 4/4 computational tools predict no significant impact on normal splicing. However, these predictions have yet to be confirmed by functional studies. The variant was absent in 250592 control chromosomes. The available data on variant occurrences in the general population are insufficient to allow any conclusion about variant significance. To our knowledge, no occurrence of c.4560T>A in individuals affected with Hereditary Breast And Ovarian Cancer Syndrome and no experimental evidence demonstrating its impact on protein function have been reported. No clinical diagnostic laboratories have submitted clinical-significance assessments for this variant to ClinVar after 2014. Based on the evidence outlined above, the variant was classified as likely benign.

NM_000059.4(BRCA2):c.4560T>A (p.Thr1520=)

Gene: BRCA2 (BRCA2 DNA repair associated; plus strand). Cytogenetic location: 13q13.1.
Variant type: single nucleotide variant.
Coding change: c.4560T>A on transcript NM_000059.4 (MANE Select); coding-DNA position 4560, T replaced by A.
Protein change: p.Thr1520=; no amino-acid change (threonine 1520 retained).
Molecular consequence: synonymous variant. On other transcripts: non-coding transcript variant (1), intron variant (2).
Genome position (GRCh38, 1-based): chr13:32,338,915, T>A. VCF-style: chr13-32338915-T-A. GRCh37 (hg19) VCF-style: chr13-32913052-T-A.
Other names: c.4560T>A, p.Thr1520= (NM_001406719.1, NM_001406720.1); c.1909+5528T>A (NM_001406721.1); c.425-5643T>A (NM_001406722.1).
Identifiers: ClinVar variation 1878279 (VCV001878279.1), dbSNP rs1555283847, ClinGen allele CA483438042.